The following is an entry in ClinVar:

NM_001148.6(ANK2):c.5710G>A (p.Val1904Ile)

Genes: ANK2 (ankyrin 2; plus strand), LOC126807136 (MED14-independent group 3 enhancer GRCh37_chr4:114274931-114276130; plus strand). Cytogenetic location: 4q26.
Variant type: single nucleotide variant.
Coding change: c.5710G>A on transcript NM_001148.6 (MANE Select); coding-DNA position 5710, G replaced by A.
Protein change: p.Val1904Ile; replaces valine 1904 with isoleucine.
Molecular consequence: missense variant. On other transcripts: intron variant (68).
Genome position (GRCh38, 1-based): chr4:113,354,328, G>A. VCF-style: chr4-113354328-G-A. GRCh37 (hg19) VCF-style: chr4-114275484-G-A.
Other names: c.5476G>A, p.Val1826Ile (NM_001386142.1); c.2110G>A, p.Val704Ile (NM_001386166.1); c.5851G>A, p.Val1951Ile (NM_001386174.1); c.5827G>A, p.Val1943Ile (NM_001386175.1); c.4411+4079G>A (NM_001386186.2, NM_001386148.2); c.4213+4079G>A (NM_001354269.3); c.4291+4079G>A (NM_001386187.2); c.4252+4079G>A (NM_001386147.1); and 35 more; short protein forms V1826I, V1904I, V1943I, V1951I, V704I.
Identifiers: ClinVar variation 1683546 (VCV001683546.2), dbSNP rs777799981, ClinGen allele CA357920992.

ClinVar aggregate classification (germline): Uncertain significance (1 of 4 stars; one submission).

Conditions:
Cardiac arrhythmia, ankyrin-B-related. Also called: ANKYRIN-B SYNDROME. Identifiers: Orphanet 101016, Orphanet 768, MedGen C1970119, MONDO:0010958, OMIM 600919.

Allele frequency attached by ClinVar (database versions not stated): TOPMed below 0.00001.

Submission:

Laboratorio de Genetica e Diagnostico Molecular, Hospital Israelita Albert Einstein
Classification: Uncertain significance for Cardiac arrhythmia, ankyrin-B-related. Last evaluated: 2021-12-15. Review status: criteria provided, single submitter. Criteria: ACMG Guidelines, 2015. Collection method: clinical testing. Allele origin: germline. Affected: yes.
Comment: ACMG classification criteria: PM2 moderate, BP4 supporting